The following is an entry in ClinVar:

ClinVar aggregate classification (germline): Conflicting classifications of pathogenicity. Review status: criteria provided, conflicting classifications (1 of 4 stars). 28 submissions from 25 submitters: Likely pathogenic (1); Uncertain significance (19); Benign (1); Likely benign (1). 6 of the submissions do not count toward it. Last evaluated 2026-06-11.

Conditions:
PMP22-related disorder. Also called: PMP22-related disorders; PMP22-related condition.
Dejerine-Sottas disease. Also called: DEJERINE-SOTTAS NEUROPATHY; Charcot-Marie-Tooth disease type 3; HMSN Type III; Hereditary motor and sensory neuropathy 3; HEREDITARY MOTOR AND SENSORY NEUROPATHY TYPE III. Identifiers: Orphanet 64748, MedGen C0011195, MONDO:0007790, OMIM 145900.
Charcot-Marie-Tooth disease type 1E. Also called: CHARCOT-MARIE-TOOTH DISEASE, DEMYELINATING, TYPE 1E; CHARCOT-MARIE-TOOTH NEUROPATHY AND DEAFNESS, AUTOSOMAL DOMINANT; Charcot-Marie-Tooth disease and deafness; Charcot-Marie-Tooth Neuropathy Type 1E. Identifiers: Orphanet 90658, MedGen C3495591, MONDO:0007311, OMIM 118300.
Hereditary liability to pressure palsies (HNPP). Also called: POLYNEUROPATHY, FAMILIAL RECURRENT; TOMACULOUS NEUROPATHY; Hereditary Neuropathy with Liability to Pressure Palsies. Identifiers: Orphanet 640, MedGen C0393814, MONDO:0008087, OMIM 162500.
Roussy-Lévy syndrome. Also called: Roussy Levy hereditary areflexic dystasia; Roussy-Levy disease; Hereditary areflexic dystasia; Roussy-Levy Syndrome. Identifiers: Orphanet 3115, MedGen C0205713, MONDO:0008392, OMIM 180800.
Charcot-Marie-Tooth disease, type IA (CMT1A). Also called: CHARCOT-MARIE-TOOTH DISEASE, DEMYELINATING, TYPE 1A; CHARCOT-MARIE-TOOTH DISEASE, AUTOSOMAL DOMINANT, WITH FOCALLY FOLDED MYELIN SHEATHS, TYPE 1A; CHARCOT-MARIE-TOOTH NEUROPATHY, TYPE 1A; Charcot-Marie-Tooth disease type 1A; CMT 1A; Hereditary motor and sensory neuropathy 1A. Identifiers: Orphanet 101081, MedGen C0270911, MONDO:0007309, OMIM 118220.
Guillain-Barre syndrome, familial (GBS). Identifiers: Orphanet 98916, MedGen C4083008, MONDO:0007691, OMIM 139393.
Charcot-Marie-Tooth disease. Also called: Charcot-Marie-Tooth Hereditary Neuropathy; Charcot-Marie-Tooth Neuropathy. Identifiers: Orphanet 166, MedGen C0007959, MONDO:0015626.
Charcot-Marie-Tooth disease, type I (CMT1). Also called: Charcot-Marie-Tooth disease type 1; Charcot-Marie-Tooth, Type 1. Identifiers: Orphanet 65753, MedGen C0751036, MONDO:0019011.
Charcot-Marie-Tooth disease, type 1a, autosomal recessive. Identifiers: MedGen C4016716.
Tip-toe gait. Also called: Toe walking. Identifiers: MedGen C0427144, HP:0030051.

Allele frequency attached by ClinVar (database versions not stated): 1000 Genomes Project 30x 0.00062; 1000 Genomes Project 0.00080; TOPMed 0.00284; gnomAD 0.00368 and 0.00378; gnomAD exomes 0.00402 and 0.00527; ExAC 0.00468.
gnomAD v4.1: 8,223 of 1,614,092 alleles (0.51%); highest among the groups gnomAD compares: Non-Finnish European, 0.6%; 31 homozygotes.

Submissions 1 to 4 of 28:

Women's Health and Genetics/Laboratory Corporation of America, LabCorp
Classification: Uncertain significance. Last evaluated: 2026-06-11. Review status: criteria provided, single submitter. Criteria: LabCorp Variant Classification Summary - May 2015. Collection method: clinical testing. Allele origin: germline.
Comment: Variant summary: PMP22 c.353C>T (p.Thr118Met) results in a non-conservative amino acid change in the encoded protein sequence. Algorithms developed to predict the effect of missense changes on protein structure and function all suggest that this variant is likely to be disruptive. The variant allele was found at a frequency of 0.004 in 250976 control chromosomes in the gnomAD database, including 4 homozygotes. The observed variant frequency exceeds the estimated maximal expected allele frequency for disease-causing variants in PMP22. c.353C>T has been observed in multiple individuals affected with Charcot-Marie-Tooth disease, type IA and hereditary neuropathy with liability to pressure palsies (HNPP). The variant has been seen in affected heterozygous (e.g. Shy_ 2006, Keckarevic-Markovic_ 2009, Russo_ 2011, Antoniadi _2015), compound heterozygous (e.g. Roa_ 1993) and at least one homozygous individual (e.g. Shy_ 2006). It has also been reported in unaffected heterozygous individuals (e.g. Seeman_ 1999). Functional studies have shown that p.Thr118Met results in a moderate reduction in cell surface trafficking efficiency (e.g. Stefanski_ 2022, Schlebach_ 2015, Ward_2026). This variant has been described as a partial loss of function allele due to a severe phenotype presented in compound heterozygous individuals, but the role of this variant in disease remains undetermined. The following publications have been ascertained in the context of this evaluation (PMID: 21228398, 26392352, 27609586, 19691535, 31664448, 8252046, 21194947, 26102530, 10586280, 16437560, 36581210, 40488457). ClinVar contains an entry for this variant (Variation ID: 8431). Based on the evidence outlined above, the variant was classified as uncertain significance.

CeGaT Center for Human Genetics Tuebingen
Classification: Likely benign. Last evaluated: 2026-05-01. Review status: criteria provided, single submitter. Criteria: CeGaT Center For Human Genetics Tuebingen Variant Classification Criteria Version 2. Collection method: clinical testing. Allele origin: germline. Affected: yes. Observed: 25 variant alleles.
Comment: PMP22: BS2

PreventionGenetics, part of Exact Sciences
Classification: Uncertain significance for PMP22-related condition. Last evaluated: 2026-04-08. Review status: criteria provided, single submitter. Criteria: ACMG Guidelines, 2015. Collection method: clinical testing. Allele origin: germline.
Comment: The PMP22 c.353C>T variant is predicted to result in the amino acid substitution p.Thr118Met. This variant has been reported in many individuals and families with PMP22-related disorders (Shy et al. 2006. PubMed ID: 16437560; Roa et al. 1993. PubMed ID: 8252046; Russo et al. 2011. PubMed ID: 21194947; Keckarevic-Markovic et al. 2009. PubMed ID: 19691535). However, this variant has been reported in the heterozygous state in both affected and unaffected individuals and has been suggested to possibly exhibit reduced penetrance (Seeman et al. 1999. PubMed ID: 10586280; Roa et al. 1993. PubMed ID: 8252046; Russo et al. 2011. PubMed ID: 21194947). It has also been reported to possibly exhibit autosomal recessive inheritance because compound heterozygous or homozygous individuals seem to present with a more severe phenotype (Roa et al. 1993. PubMed ID: 8252046, Shy et al. 2006. PubMed ID: 16437560). The c.353C>T variant has been reported at an allele frequency of ~0.66% in individuals in a large population database including 5 homozygotes, which is inconsistent with a fully penetrant, dominant pathogenic variant. Several other outside clinical laboratories have reported the c.353C>T variant in ClinVar with conflicting interpretations of likely pathogenic, uncertain and likely benign (Variation ID: 8431). Functional studies support that the variant may mildly disrupt protein function and result in a partial loss of function (Bello et al. 2017. PubMed ID: 27609586; Schlebach et al. 2015. PubMed ID: 26102530). Due to conflicting evidence this variant is classified as a variant of uncertain significance at this time.

Dasa
Classification: Uncertain significance. Last evaluated: 2026-03-28. Review status: criteria provided, single submitter. Criteria: DASA Assertion Criteria. Collection method: clinical testing. Allele origin: germline.
Comment: NM_000304.4(PMP22):c.353C>T (p.Thr118Met) is a missense variant that results in the substitution of threonine with methionine. Functional evidence supports a deleterious effect on the gene or gene product (PMID: 36581210). This variant has been reported in individuals with related phenotype (PMID: 36581210). Multiple computational predictions support a deleterious effect on the gene or gene product. The variant is present at low frequency in population datasets. Based on the available data, this variant is classified as variant of uncertain significance.

NM_000304.4(PMP22):c.353C>T (p.Thr118Met)

Gene: PMP22 (peripheral myelin protein 22; minus strand). Cytogenetic location: 17p12.
Variant type: single nucleotide variant.
Coding change: c.353C>T on transcript NM_000304.4 (MANE Select); coding-DNA position 353, C replaced by T.
Protein change: p.Thr118Met; replaces threonine 118 with methionine.
Molecular consequence: missense variant. On other transcripts: non-coding transcript variant (2).
Genome position (GRCh38, 1-based): chr17:15,231,047, G>A on the plus strand (C>T on the coding strand, the complement: PMP22 is on the minus strand). VCF-style: chr17-15231047-G-A. GRCh37 (hg19) VCF-style: chr17-15134364-G-A.
Other names: c.353C>T, p.Thr118Met (NM_153322.3, NM_001281455.2, NM_001281456.2 and 1 more transcripts); short protein forms T118M.
Identifiers: ClinVar variation 8431 (VCV000008431.106), dbSNP rs104894619, ClinGen allele CA119616.
Genomic context (GRCh38, chr17:15,231,047, plus strand): 5'-AGGATGTAGGCGAAACCGTAGGAGTAATCCGAGTTGAGATGCCACTCCGGGTGCCTCACC[G>A]TGTAGATGGCCGCAGCACTCATCACGCACAGACCTGGGGAAGGAGAGGGACAAGCTGGGT-3'
Protein context (NP_000295.1, residues 108-128): LCVMSAAAIY[Thr118Met]VRHPEWHLNS